The following is an entry in ClinVar:

NM_001943.5(DSG2):c.2750del (p.Ala917fs)

Genes: DSG2 (desmoglein 2; plus strand), DSG2-AS1 (DSG2 antisense RNA 1; minus strand). Cytogenetic location: 18q12.1.
Variant type: Deletion.
Coding change: c.2750del on transcript NM_001943.5 (MANE Select); coding-DNA position 2750, one base deleted (C; older notation c.2750delC).
Protein change: p.Ala917fs; shifts the reading frame from alanine 917.
Molecular consequence: frameshift variant.
Genome position (GRCh38, 1-based): chr18:31,546,136, C deleted. VCF-style (leftmost placement, unchanged base first): chr18-31546135-GC-G. GRCh37 (hg19) VCF-style: chr18-29126098-GC-G.
Other names: short protein forms A917fs.
Identifiers: ClinVar variation 2574018 (VCV002574018.3), dbSNP rs2510922441, ClinGen allele CA2580612604.

ClinVar aggregate classification (germline): Likely pathogenic (1 of 4 stars; one submission).

Conditions:
Long QT syndrome (LQTS). Identifiers: MedGen C0023976, MeSH D008133, MONDO:0002442. Disease mechanism: loss of function. Inheritance: Various modes of inheritance.

Submission:

Dept of Medical Biology, Uskudar University
Classification: Likely pathogenic for Long QT syndrome. Last evaluated: 2024-01-08. Review status: criteria provided, single submitter. Criteria: Dept of Medical Biology Variant Classification. Collection method: research. Allele origin: unknown. Affected: yes. Observed: 1 variant allele.
Comment: Criteria: PVS1_Strong, PM2